The following is an entry in ClinVar:

ClinVar aggregate classification (germline): Uncertain significance (1 of 4 stars; one submission).

Conditions:
Inborn genetic diseases. Identifiers: MedGen C0950123, MeSH D030342.

Submission:

Ambry Genetics
Classification: Uncertain significance for Inborn genetic diseases. Last evaluated: 2025-09-16. Review status: criteria provided, single submitter. Criteria: Ambry Variant Classification Scheme 2023. Collection method: clinical testing. Allele origin: germline.
Comment: The c.5399C>T (p.P1800L) alteration is located in exon 37 (coding exon 36) of the TRIP12 gene. This alteration results from a C to T substitution at nucleotide position 5399, causing the proline (P) at amino acid position 1800 to be replaced by a leucine (L). This variant was not reported in population-based cohorts in the Genome Aggregation Database (gnomAD). This amino acid position is highly conserved in available vertebrate species. This missense alteration is located in a region that has a low rate of benign missense variation (Lek, 2016; Firth, 2009). This alteration is predicted to be deleterious by in silico analysis. Based on insufficient or conflicting evidence, the clinical significance of this alteration remains unclear.

NM_001348323.3(TRIP12):c.5624C>T (p.Pro1875Leu)

Gene: TRIP12 (thyroid hormone receptor interactor 12; minus strand). Cytogenetic location: 2q36.3.
Variant type: single nucleotide variant.
Coding change: c.5624C>T on transcript NM_001348323.3 (MANE Select); coding-DNA position 5624, C replaced by T.
Protein change: p.Pro1875Leu; replaces proline 1875 with leucine.
Molecular consequence: missense variant.
Genome position (GRCh38, 1-based): chr2:229,774,167, G>A on the plus strand (C>T on the coding strand, the complement: TRIP12 is on the minus strand). VCF-style: chr2-229774167-G-A. GRCh37 (hg19) VCF-style: chr2-230638883-G-A.
Other names: c.5543C>T, p.Pro1848Leu (NM_001284214.2, NM_001348315.2); c.5498C>T, p.Pro1833Leu (NM_001284215.2, NM_001348316.2); c.4589C>T, p.Pro1530Leu (NM_001284216.2); c.5483C>T, p.Pro1828Leu (NM_001348317.1, NM_001348318.2); c.5609C>T, p.Pro1870Leu (NM_001348319.1, NM_001348320.2); c.5612C>T, p.Pro1871Leu (NM_001348321.1); c.5624C>T, p.Pro1875Leu (NM_001348322.1, NM_001348324.2, NM_001348325.2 and 2 more transcripts); c.5627C>T, p.Pro1876Leu (NM_001348328.1, NM_001348329.2, NM_001348330.2); and 4 more; short protein forms P1828L, P1833L, P1871L, P1800L, P1876L, P1530L, P1848L, P1875L.
Identifiers: ClinVar variation 4191297 (VCV004191297.2).